The following is an entry in ClinVar:

ClinVar aggregate classification (germline): Uncertain significance (1 of 4 stars; one submission).

Conditions:
Familial cancer of breast. Also called: Hereditary breast cancer; BREAST CANCER, FAMILIAL; hereditary breast carcinoma. Identifiers: Orphanet 227535, MedGen C0346153, MONDO:0016419, OMIM 114480. Disease mechanism: loss of function.

Submission:

Labcorp Genetics (formerly Invitae), Labcorp
Classification: Uncertain significance for Familial cancer of breast. Last evaluated: 2023-09-24. Review status: criteria provided, single submitter. Criteria: Invitae Variant Classification Sherloc (09022015). Collection method: clinical testing. Allele origin: germline.
Comment: This variant has not been reported in the literature in individuals affected with CHEK2-related conditions. Information on the frequency of this variant in the gnomAD database is not available, as this variant may be reported differently in the database. This sequence change replaces lysine, which is basic and polar, with threonine, which is neutral and polar, at codon 365 of the CHEK2 protein (p.Lys365Thr). This variant also falls at the last nucleotide of exon 10, which is part of the consensus splice site for this exon. An algorithm developed to predict the effect of missense changes on protein structure and function (PolyPhen-2) suggests that this variant is likely to be disruptive. In summary, the available evidence is currently insufficient to determine the role of this variant in disease. Therefore, it has been classified as a Variant of Uncertain Significance. Variants that disrupt the consensus splice site are a relatively common cause of aberrant splicing (PMID: 17576681, 9536098).

Literature cited by the submitters: PubMed 17576681; PubMed 9536098.

NM_007194.4(CHEK2):c.1094_1095inv (p.Lys365Thr)

Gene: CHEK2 (checkpoint kinase 2; minus strand). Cytogenetic location: 22q12.1.
Variant type: Inversion.
Coding change: c.1094_1095inv on transcript NM_007194.4 (MANE Select).
Protein change: p.Lys365Thr; replaces lysine 365 with threonine.
Molecular consequence: missense variant. On other transcripts: intron variant (3).
Genome position: GRCh38 VCF-style: chr22-28696901-CT-AG. GRCh37 (hg19) VCF-style: chr22-29092889-CT-AG.
Other names: c.1223_1224inv, p.Lys408Thr (NM_001005735.3); c.431_432inv, p.Lys144Thr (NM_001257387.3, NM_001437942.1); c.893_894inv, p.Lys298Thr (NM_001349956.3); c.1187_1188inv, p.Lys396Thr (NM_001438293.1); c.1009-1029_1009-1028inv (NM_145862.3); c.1102-1029_1102-1028inv (NM_001438295.1); c.1138-1029_1138-1028inv (NM_001438294.1); short protein forms K298T, K144T, K365T, K408T, K396T.
Identifiers: ClinVar variation 2763038 (VCV002763038.3), ClinGen allele CA2697552663.
Genomic context (GRCh38, chr22:28,696,901, plus strand): 5'-TTAAAAGTTTCTGAACAAGAATCTACAGGAATAGCCACATACAGAATGCCAATTTCTTAC[CT>AG]TTATAAGACAGTCCTCTTCTTGAGATGACAGTAAAACATTCTCTGGCTTTAAGTCACGGT-3'
Protein context (NP_009125.1, residues 355-375): LSSQEEDCLI[Lys365Thr]ITDFGHSKIL